The following is an entry in ClinVar:

ClinVar aggregate classification (germline): Pathogenic. Review status: criteria provided, multiple submitters, no conflicts (2 of 4 stars). 2 submissions from 2 submitters: Pathogenic (2). Last evaluated 2023-10-28.

Conditions:
Developmental and epileptic encephalopathy, 85, with or without midline brain defects. Also called: EPILEPTIC ENCEPHALOPATHY, EARLY INFANTILE, 85, WITH OR WITHOUT MIDLINE BRAIN DEFECTS. Identifiers: MedGen C5393312, MONDO:0026771, OMIM 301044.
Congenital muscular hypertrophy-cerebral syndrome (CDLS2). Also called: SMC1A-Related Cornelia de Lange Syndrome; Cornelia de Lange syndrome 2. Identifiers: Orphanet 199, MedGen C1802395, MONDO:0010370, OMIM 300590.

Submissions (2):

Labcorp Genetics (formerly Invitae), Labcorp
Classification: Pathogenic for Congenital muscular hypertrophy-cerebral syndrome. Last evaluated: 2023-10-28. Review status: criteria provided, single submitter. Criteria: Invitae Variant Classification Sherloc (09022015). Collection method: clinical testing. Allele origin: germline.
Comment: This sequence change creates a premature translational stop signal (p.Ser964Valfs*26) in the SMC1A gene. It is expected to result in an absent or disrupted protein product. Loss-of-function variants in SMC1A are known to be pathogenic (PMID: 26386245, 27334371, 28166369, 28548707, 31334757). This variant is not present in population databases (gnomAD no frequency). This variant has not been reported in the literature in individuals affected with SMC1A-related conditions. For these reasons, this variant has been classified as Pathogenic.

Yang Lab, Women and Children's Hospital Affiliated to Xiamen University
Classification: Pathogenic for Developmental and epileptic encephalopathy, 85, with or without midline brain defects. Review status: criteria provided, single submitter. Criteria: ACMG Guidelines, 2015. Collection method: clinical testing. Allele origin: maternal. Affected: yes.

Literature cited by the submitters: PubMed 26386245 (cited by Labcorp Genetics (formerly Invitae), Labcorp); PubMed 27334371 (cited by Labcorp Genetics (formerly Invitae), Labcorp); PubMed 28166369 (cited by Labcorp Genetics (formerly Invitae), Labcorp); PubMed 28548707 (cited by Labcorp Genetics (formerly Invitae), Labcorp); PubMed 31334757 (cited by Labcorp Genetics (formerly Invitae), Labcorp).

NM_006306.4(SMC1A):c.2890_2893del (p.Ser964fs)

Gene: SMC1A (structural maintenance of chromosomes 1A; minus strand). Cytogenetic location: Xp11.22.
Variant type: Microsatellite.
Coding change: c.2890_2893del on transcript NM_006306.4 (MANE Select); coding-DNA positions 2890 to 2893, 4 bases deleted (AGTG; older notation c.2890_2893delAGTG).
Protein change: p.Ser964fs; shifts the reading frame from serine 964.
Molecular consequence: frameshift variant.
Genome position (GRCh38, 1-based): chrX:53,394,858-53,394,861, CACT deleted on the plus strand (AGTG on the coding strand, the reverse complement: SMC1A is on the minus strand); deleting any 4 consecutive bases within chrX:53,394,858-53,394,865 gives the same sequence; the c. name uses the placement nearest the transcript's 3' end. VCF-style (leftmost placement, unchanged base first): chrX-53394857-CCACT-C. GRCh37 (hg19) VCF-style: chrX-53421777-CCACT-C.
Other names: c.2824_2827del, p.Ser942fs (NM_001281463.1); short protein forms S942fs, S964fs.
Identifiers: ClinVar variation 2772432 (VCV002772432.4), dbSNP rs2520885035, ClinGen allele CA2697553118.